The following is an entry in ClinVar:

ClinVar aggregate classification (germline): Uncertain significance. Review status: criteria provided, multiple submitters, no conflicts (2 of 4 stars). 3 submissions from 3 submitters: Uncertain significance (3). Last evaluated 2024-10-25.

Conditions:
Epileptic encephalopathy. Identifiers: MedGen C0543888, HP:0200134.

Allele frequency attached by ClinVar (database versions not stated): TOPMed 0.00002; gnomAD 0.00004 and 0.00005; gnomAD exomes 0.00010; 1000 Genomes Project 30x 0.00016; ExAC 0.00017; 1000 Genomes Project 0.00020.
gnomAD v4.1: 100 of 1,559,258 alleles (0.0064%); highest among the groups gnomAD compares: Non-Finnish European, 0.0066%; no homozygotes.

Submissions (3):

Ambry Genetics
Classification: Uncertain significance. Last evaluated: 2024-10-25. Review status: criteria provided, single submitter. Criteria: Ambry Variant Classification Scheme 2023. Collection method: clinical testing. Allele origin: germline.

Women's Health and Genetics/Laboratory Corporation of America, LabCorp
Classification: Uncertain significance. Last evaluated: 2024-04-26. Review status: criteria provided, single submitter. Criteria: LabCorp Variant Classification Summary - May 2015. Collection method: clinical testing. Allele origin: germline.
Comment: Variant summary: RYR3 c.4474G>A (p.Val1492Ile) results in a conservative amino acid change in the encoded protein sequence. Four of five in-silico tools predict a damaging effect of the variant on protein function. The variant allele was found at a frequency of 9.6e-05 in 167378 control chromosomes. The available data on variant occurrences in the general population are insufficient to allow any conclusion about variant significance. To our knowledge, no occurrence of c.4474G>A in individuals affected with Congenital Myopathy 20 and no experimental evidence demonstrating its impact on protein function have been reported. ClinVar contains an entry for this variant (Variation ID: 858485). Based on the evidence outlined above, the variant was classified as uncertain significance.

Labcorp Genetics (formerly Invitae), Labcorp
Classification: Uncertain significance for Epileptic encephalopathy. Last evaluated: 2021-08-30. Review status: criteria provided, single submitter. Criteria: Invitae Variant Classification Sherloc (09022015). Collection method: clinical testing. Allele origin: germline.

NM_001036.6(RYR3):c.4474G>A (p.Val1492Ile)

Gene: RYR3 (ryanodine receptor 3; plus strand). Cytogenetic location: 15q14.
Variant type: single nucleotide variant.
Coding change: c.4474G>A on transcript NM_001036.6 (MANE Select); coding-DNA position 4474, G replaced by A.
Protein change: p.Val1492Ile; replaces valine 1492 with isoleucine.
Molecular consequence: missense variant.
Genome position (GRCh38, 1-based): chr15:33,660,275, G>A. VCF-style: chr15-33660275-G-A. GRCh37 (hg19) VCF-style: chr15-33952476-G-A.
Other names: c.4474G>A, p.Val1492Ile (NM_001243996.4); c.4474G>A (NM_001036.3); short protein forms V1492I.
Identifiers: ClinVar variation 858485 (VCV000858485.7), dbSNP rs202225145, ClinGen allele CA7459019.